The following is an entry in ClinVar:

NM_020937.4(FANCM):c.1677A>G (p.Ile559Met)

Gene: FANCM (FA complementation group M; plus strand). Cytogenetic location: 14q21.2.
Variant type: single nucleotide variant.
Coding change: c.1677A>G on transcript NM_020937.4 (MANE Select); coding-DNA position 1677, A replaced by G.
Protein change: p.Ile559Met; replaces isoleucine 559 with methionine.
Molecular consequence: missense variant.
Genome position (GRCh38, 1-based): chr14:45,164,454, A>G. VCF-style: chr14-45164454-A-G. GRCh37 (hg19) VCF-style: chr14-45633657-A-G.
Other names: c.1599A>G, p.Ile533Met (NM_001308133.2); c.1677A>G, p.Ile559Met (NM_001308134.2); short protein forms I533M, I559M.
Identifiers: ClinVar variation 4826021 (VCV004826021.1).
Genomic context (GRCh38, chr14:45,164,454, plus strand): 5'-GCTGGTTTCTACCTGTGTGGGTGAAGAAGGTTTGGATATAGGAGAAGTTGATCTTATAAT[A>G]TGTTTTGATTCCCAGAAGAGCCCAATTCGTCTTGTACAACGAATGGGTAGAACTGGCCGT-3'
Protein context (NP_065988.1, residues 549-569): GLDIGEVDLI[Ile559Met]CFDSQKSPIR

ClinVar aggregate classification (germline): Uncertain significance (1 of 4 stars; one submission).

Conditions:
Inborn genetic diseases. Identifiers: MedGen C0950123, MeSH D030342.

Submission:

Ambry Genetics
Classification: Uncertain significance for Inborn genetic diseases. Last evaluated: 2026-03-09. Review status: criteria provided, single submitter. Criteria: Ambry Variant Classification Scheme 2023. Collection method: clinical testing. Allele origin: germline.
Comment: The p.I559M variant (also known as c.1677A>G), located in coding exon 10 of the FANCM gene, results from an A to G substitution at nucleotide position 1677. The isoleucine at codon 559 is replaced by methionine, an amino acid with highly similar properties. This amino acid position is conserved. In addition, the in silico prediction for this alteration is inconclusive. Based on the available evidence, the clinical significance of this variant remains unclear.